The following is an entry in ClinVar:

NM_000038.6(APC):c.5422A>G (p.Asn1808Asp)

Gene: APC (APC regulator of Wnt signaling pathway; plus strand). Cytogenetic location: 5q22.2.
Variant type: single nucleotide variant.
Coding change: c.5422A>G on transcript NM_000038.6 (MANE Select); coding-DNA position 5422, A replaced by G.
Protein change: p.Asn1808Asp; replaces asparagine 1808 with aspartic acid.
Molecular consequence: missense variant.
Genome position (GRCh38, 1-based): chr5:112,841,016, A>G. VCF-style: chr5-112841016-A-G. GRCh37 (hg19) VCF-style: chr5-112176713-A-G.
Other names: c.5422A>G, p.Asn1808Asp (NM_001127510.3, NM_001354895.2); c.5368A>G, p.Asn1790Asp (NM_001127511.3); c.5476A>G, p.Asn1826Asp (NM_001354896.2); c.5452A>G, p.Asn1818Asp (NM_001354897.2); c.5347A>G, p.Asn1783Asp (NM_001354898.2); c.5338A>G, p.Asn1780Asp (NM_001354899.2); c.5299A>G, p.Asn1767Asp (NM_001354900.2); c.5245A>G, p.Asn1749Asp (NM_001354901.2); and 5 more; short protein forms N1682D, N1767D, N1790D, N1525D, N1648D, N1780D, N1783D, N1808D.
Identifiers: ClinVar variation 649088 (VCV000649088.19), dbSNP rs533762549, ClinGen allele CA041906.

ClinVar aggregate classification (germline): Conflicting classifications of pathogenicity. Review status: criteria provided, conflicting classifications (1 of 4 stars). 6 submissions from 6 submitters: Uncertain significance (4); Likely benign (2). Last evaluated 2025-09-22.

Conditions:
Classic or attenuated familial adenomatous polyposis. Identifiers: MedGen CN372698, MONDO:0021057.
Hereditary cancer-predisposing syndrome. Also called: Neoplastic Syndromes, Hereditary; Tumor predisposition; Hereditary Cancer Syndrome; Hereditary neoplastic syndrome. Identifiers: Orphanet 140162, MedGen C0027672, MeSH D009386, MONDO:0015356.
Familial adenomatous polyposis 1 (FAP1). Also called: FAMILIAL ADENOMATOUS POLYPOSIS 1, ATTENUATED; POLYPOSIS, ADENOMATOUS INTESTINAL. Identifiers: MedGen C2713442, MONDO:0021056, OMIM 175100. Disease mechanism: loss of function.

Allele frequency attached by ClinVar (database versions not stated): gnomAD exomes below 0.00001 and 0.00001; gnomAD 0.00001; ExAC 0.00003; 1000 Genomes Project 30x 0.00016; 1000 Genomes Project 0.00020.
gnomAD v4.1: 5 of 1,610,928 alleles (0.00031%); highest among the groups gnomAD compares: Middle Eastern, 0.017%; no homozygotes.

Submissions (6):

Labcorp Genetics (formerly Invitae), Labcorp
Classification: Uncertain significance for Familial adenomatous polyposis 1. Last evaluated: 2025-09-22. Review status: criteria provided, single submitter. Criteria: Invitae Variant Classification Sherloc (09022015). Collection method: clinical testing. Allele origin: germline.
Comment: This sequence change replaces asparagine, which is neutral and polar, with aspartic acid, which is acidic and polar, at codon 1808 of the APC protein (p.Asn1808Asp). This variant is present in population databases (rs533762549, gnomAD 0.01%). This variant has not been reported in the literature in individuals affected with APC-related conditions. ClinVar contains an entry for this variant (Variation ID: 649088). Invitae Evidence Modeling of protein sequence and biophysical properties (such as structural, functional, and spatial information, amino acid conservation, physicochemical variation, residue mobility, and thermodynamic stability) indicates that this missense variant is not expected to disrupt APC protein function with a negative predictive value of 95%. In summary, the available evidence is currently insufficient to determine the role of this variant in disease. Therefore, it has been classified as a Variant of Uncertain Significance.

All of Us Research Program, National Institutes of Health
Classification: Uncertain significance for Classic or attenuated familial adenomatous polyposis. Last evaluated: 2024-08-13. Review status: criteria provided, single submitter. Criteria: ACMG Guidelines, 2015. Collection method: clinical testing. Allele origin: germline. Inheritance: Autosomal dominant inheritance. Observed: 1 variant allele, 1 heterozygote.
Comment: This missense variant replaces asparagine with aspartic acid at codon 1808 of the APC protein. Computational prediction suggests that this variant may not impact protein structure and function (internally defined REVEL score threshold <= 0.5, PMID: 27666373). To our knowledge, functional studies have not been reported for this variant. This variant has not been reported in individuals affected with APC-related disorders in the literature. This variant has been identified in 3/249660 chromosomes in the general population by the Genome Aggregation Database (gnomAD). The available evidence is insufficient to determine the role of this variant in disease conclusively. Therefore, this variant is classified as a Variant of Uncertain Significance.

This study involves interpretation of variants in research participants for the purpose of population health screening. Participant phenotype was not available at the time of variant classification. Additional details can be found in publication PMID: 35346344, PMCID: PMC8962531

Color Diagnostics, LLC DBA Color Health
Classification: Uncertain significance for Hereditary cancer-predisposing syndrome. Last evaluated: 2024-07-24. Review status: criteria provided, single submitter. Criteria: ACMG Guidelines, 2015. Collection method: clinical testing. Allele origin: germline.
Comment: This missense variant replaces asparagine with aspartic acid at codon 1808 of the APC protein. Computational prediction suggests that this variant may not impact protein structure and function (internally defined REVEL score threshold <= 0.5, PMID: 27666373). To our knowledge, functional studies have not been reported for this variant. This variant has not been reported in individuals affected with APC-related disorders in the literature. This variant has been identified in 3/249660 chromosomes in the general population by the Genome Aggregation Database (gnomAD). The available evidence is insufficient to determine the role of this variant in disease conclusively. Therefore, this variant is classified as a Variant of Uncertain Significance.

Department of Pathology and Laboratory Medicine, Sinai Health System
Classification: Likely benign for Familial adenomatous polyposis 1. Last evaluated: 2024-04-03. Review status: criteria provided, single submitter. Criteria: ACMG Guidelines, 2015. Collection method: clinical testing. Allele origin: germline. Affected: yes.

GeneDx
Classification: Uncertain significance. Last evaluated: 2023-12-22. Review status: criteria provided, single submitter. Criteria: GeneDx Variant Classification Process June 2021. Collection method: clinical testing. Allele origin: germline. Affected: yes.
Comment: Not observed at significant frequency in large population cohorts (gnomAD); In silico analysis supports that this missense variant does not alter protein structure/function; Has not been previously published as pathogenic or benign to our knowledge; This variant is associated with the following publications: (PMID: 18199528)

Ambry Genetics
Classification: Likely benign for Hereditary cancer-predisposing syndrome. Last evaluated: 2023-02-06. Review status: criteria provided, single submitter. Criteria: Ambry Variant Classification Scheme 2023. Collection method: clinical testing. Allele origin: germline.